The following is an entry in ClinVar:

NM_001292063.2(OTOG):c.8035C>T (p.Arg2679Cys)

Gene: OTOG (otogelin; plus strand). Cytogenetic location: 11p15.1.
Variant type: single nucleotide variant.
Coding change: c.8035C>T on transcript NM_001292063.2 (MANE Select); coding-DNA position 8035, C replaced by T.
Protein change: p.Arg2679Cys; replaces arginine 2679 with cysteine.
Molecular consequence: missense variant.
Genome position (GRCh38, 1-based): chr11:17,640,936, C>T. VCF-style: chr11-17640936-C-T. GRCh37 (hg19) VCF-style: chr11-17662483-C-T.
Other names: c.8071C>T, p.Arg2691Cys (NM_001277269.2); short protein forms R2691C, R2679C.
Identifiers: ClinVar variation 227804 (VCV000227804.21), dbSNP rs567966154, ClinGen allele CA5906220.

ClinVar aggregate classification (germline): Benign/Likely benign. Review status: criteria provided, multiple submitters, no conflicts (2 of 4 stars). 7 submissions from 7 submitters: Benign (2); Likely benign (5). Last evaluated 2026-09-01.

Allele frequency attached by ClinVar (database versions not stated): gnomAD exomes 0.00048 and 0.00090; ExAC 0.00090; gnomAD 0.00404 and 0.00428; TOPMed 0.00457; 1000 Genomes Project 0.00499; 1000 Genomes Project 30x 0.00640.
gnomAD v4.1: 1,308 of 1,548,288 alleles (0.084%); highest among the groups gnomAD compares: African/African-American, 1.3%; 5 homozygotes.

Submissions (7):

CeGaT Center for Human Genetics Tuebingen
Classification: Likely benign. Last evaluated: 2026-09-01. Review status: criteria provided, single submitter. Criteria: CeGaT Center For Human Genetics Tuebingen Variant Classification Criteria Version 2. Collection method: clinical testing. Allele origin: germline. Affected: yes. Observed: 1 variant allele.
Comment: OTOG: BP4, BS1

Labcorp Genetics (formerly Invitae), Labcorp
Classification: Benign. Last evaluated: 2025-12-24. Review status: criteria provided, single submitter. Criteria: Invitae Variant Classification Sherloc (09022015). Collection method: clinical testing. Allele origin: germline.

Blueprint Genetics
Classification: Likely benign. Last evaluated: 2024-10-17. Review status: criteria provided, single submitter. Criteria: ACMG Guidelines, 2015. Collection method: clinical testing. Allele origin: germline.

GeneDx
Classification: Likely benign. Last evaluated: 2020-12-16. Review status: criteria provided, single submitter. Criteria: GeneDx Variant Classification Process June 2021. Collection method: clinical testing. Allele origin: germline. Affected: yes.

Athena Diagnostics
Classification: Likely benign. Last evaluated: 2018-05-25. Review status: criteria provided, single submitter. Criteria: Athena Diagnostics Criteria. Collection method: clinical testing. Allele origin: germline.

Laboratory for Molecular Medicine, Mass General Brigham Personalized Medicine
Classification: Benign. Last evaluated: 2017-06-26. Review status: criteria provided, single submitter. Criteria: LMM Criteria. Collection method: clinical testing. Allele origin: germline. Observed: 4 variant alleles.
Comment: p.Arg2691Cys in exon 50 of OTOG: This variant is not expected to have clinical s ignificance because it has been identified in 1.3% (193/15206) of African chromo somes by the Genome Aggregation Database (gnomAD, rg; dbSNP rs567966154).

Breakthrough Genomics
Classification: Likely benign. Review status: criteria provided, single submitter. Criteria: ACMG Guidelines, 2015. Collection method: not provided. Allele origin: germline. Inheritance: Autosomal recessive inheritance. Affected: yes.